The following is an entry in ClinVar:

NM_004999.4(MYO6):c.1223+2T>G

Gene: MYO6 (myosin VI; plus strand). Cytogenetic location: 6q14.1.
Variant type: single nucleotide variant.
Coding change: c.1223+2T>G on transcript NM_004999.4 (MANE Select); the canonical splice donor site of the intron after coding-DNA position 1223, T replaced by G.
Molecular consequence: splice donor variant.
Genome position (GRCh38, 1-based): chr6:75,855,285, T>G. VCF-style: chr6-75855285-T-G. GRCh37 (hg19) VCF-style: chr6-76565002-T-G.
Other names: c.1223+2T>G (NM_001368865.1, NM_001368866.1, NM_001368137.1 and 2 more transcripts); c.1208+2T>G (NM_001368138.1).
Identifiers: ClinVar variation 3601439 (VCV003601439.1).
Genomic context (GRCh38, chr6:75,855,285, plus strand): 5'-AGTTTGACCACAAGAGTCATGCTAACAACAGCAGGGGGCACCAAAGGAACAGTTATAAAG[T>G]AAGTTCCTTAAGTAATTGCACTGCAAAAATTTTGCCTTGCAGTTTGTCAAGGAAAAACAT-3'

ClinVar aggregate classification (germline): Likely pathogenic (1 of 4 stars; one submission).

Conditions:
Autosomal recessive nonsyndromic hearing loss 37. Identifiers: Orphanet 90636, MedGen C1843028, MONDO:0011912, OMIM 607821.

Submission:

Institute of Rare Diseases, West China Hospital, Sichuan University
Classification: Likely pathogenic for Autosomal recessive nonsyndromic hearing loss 37. Last evaluated: 2025-01-09. Review status: criteria provided, single submitter. Criteria: ClinGen HL ACMG Specifications v1. Collection method: research. Allele origin: germline. Affected: yes.
Comment: PVS1;PM2_Supporting